The following is an entry in ClinVar:

ClinVar aggregate classification (germline): Likely benign. Review status: criteria provided, multiple submitters, no conflicts (2 of 4 stars). 2 submissions from 2 submitters: Likely benign (2). Last evaluated 2026-02-01.

Allele frequency attached by ClinVar (database versions not stated): gnomAD exomes 0.00001 and 0.00002; TOPMed 0.00002; ExAC 0.00003; gnomAD 0.00004 and 0.00005.
gnomAD v4.1: 19 of 1,612,962 alleles (0.0012%); highest among the groups gnomAD compares: African/African-American, 0.011%; no homozygotes.

Submissions (2):

CeGaT Center for Human Genetics Tuebingen
Classification: Likely benign. Last evaluated: 2026-02-01. Review status: criteria provided, single submitter. Criteria: CeGaT Center For Human Genetics Tuebingen Variant Classification Criteria Version 2. Collection method: clinical testing. Allele origin: germline. Affected: yes. Observed: 1 variant allele.
Comment: SBF1: BP4, BP7

Labcorp Genetics (formerly Invitae), Labcorp
Classification: Likely benign. Last evaluated: 2023-10-03. Review status: criteria provided, single submitter. Criteria: Invitae Variant Classification Sherloc (09022015). Collection method: clinical testing. Allele origin: germline.

NM_002972.4(SBF1):c.4398C>T (p.Asp1466=)

Gene: SBF1 (SET binding factor 1; minus strand). Cytogenetic location: 22q13.33.
Variant type: single nucleotide variant.
Coding change: c.4398C>T on transcript NM_002972.4 (MANE Select); coding-DNA position 4398, C replaced by T.
Protein change: p.Asp1466=; no amino-acid change (aspartic acid 1466 retained).
Molecular consequence: synonymous variant.
Genome position (GRCh38, 1-based): chr22:50,455,380, G>A on the plus strand (C>T on the coding strand, the complement: SBF1 is on the minus strand). VCF-style: chr22-50455380-G-A. GRCh37 (hg19) VCF-style: chr22-50893809-G-A.
Other names: c.4323C>T, p.Asp1441= (NM_001365819.1).
Identifiers: ClinVar variation 1541356 (VCV001541356.12), dbSNP rs757006638, ClinGen allele CA10316274.